The following is an entry in ClinVar:

NM_001366385.1(CARD14):c.1352C>G (p.Thr451Arg)

Gene: CARD14 (caspase recruitment domain family member 14; plus strand). Cytogenetic location: 17q25.3.
Variant type: single nucleotide variant.
Coding change: c.1352C>G on transcript NM_001366385.1 (MANE Select); coding-DNA position 1352, C replaced by G.
Protein change: p.Thr451Arg; replaces threonine 451 with arginine.
Molecular consequence: missense variant. On other transcripts: non-coding transcript variant (1).
Genome position (GRCh38, 1-based): chr17:80,192,615, C>G. VCF-style: chr17-80192615-C-G. GRCh37 (hg19) VCF-style: chr17-78166414-C-G.
Other names: c.1352C>G, p.Thr451Arg (NM_001257970.1, NM_024110.4); c.641C>G, p.Thr214Arg (NM_052819.3); short protein forms T451R, T214R.
Identifiers: ClinVar variation 4784363 (VCV004784363.1).

ClinVar aggregate classification (germline): Uncertain significance (1 of 4 stars; one submission).

Conditions:
Psoriasis 2. Identifiers: MedGen C1864497, MONDO:0011269, OMIM 602723.
Pityriasis rubra pilaris (PRP). Also called: Pityriasis rubra pilaris--familial type. Identifiers: Orphanet 2897, MedGen C0032027, MONDO:0100017, OMIM 173200, MONDO:0008251.

gnomAD v4.1: 17 of 1,610,720 alleles (0.0011%); highest among the groups gnomAD compares: African/African-American, 0.0027%; no homozygotes.

Submission:

Labcorp Genetics (formerly Invitae), Labcorp
Classification: Uncertain significance for Pityriasis rubra pilaris; Psoriasis 2. Last evaluated: 2025-02-26. Review status: criteria provided, single submitter. Criteria: Invitae Variant Classification Sherloc (09022015). Collection method: clinical testing. Allele origin: germline.
Comment: This sequence change replaces threonine, which is neutral and polar, with arginine, which is basic and polar, at codon 451 of the CARD14 protein (p.Thr451Arg). This variant is present in population databases (rs199571417, gnomAD 0.007%). This variant has not been reported in the literature in individuals affected with CARD14-related conditions. Invitae Evidence Modeling of protein sequence and biophysical properties (such as structural, functional, and spatial information, amino acid conservation, physicochemical variation, residue mobility, and thermodynamic stability) indicates that this missense variant is not expected to disrupt CARD14 protein function with a negative predictive value of 95%. In summary, the available evidence is currently insufficient to determine the role of this variant in disease. Therefore, it has been classified as a Variant of Uncertain Significance.